The following is an entry in ClinVar:

ClinVar aggregate classification (germline): Uncertain significance (1 of 4 stars; one submission).

Conditions:
Cardiovascular phenotype. Identifiers: MedGen CN230736.

gnomAD v4.1: 2 of 1,613,810 alleles (0.00012%); highest among the groups gnomAD compares: South Asian, 0.0022%; no homozygotes.

Submission:

Ambry Genetics
Classification: Uncertain significance for Cardiovascular phenotype. Last evaluated: 2026-07-11. Review status: criteria provided, single submitter. Criteria: Ambry Variant Classification Scheme 2023. Collection method: clinical testing. Allele origin: germline.
Comment: The p.A462T variant (also known as c.1384G>A), located in coding exon 8 of the TBX5 gene, results from a G to A substitution at nucleotide position 1384. The alanine at codon 462 is replaced by threonine, an amino acid with similar properties. This amino acid position is conserved. In addition, this alteration is predicted to be tolerated by in silico analysis. Based on the available evidence, the clinical significance of this variant remains unclear.

NM_181486.4(TBX5):c.1384G>A (p.Ala462Thr)

Gene: TBX5 (T-box transcription factor 5; minus strand). Cytogenetic location: 12q24.21.
Variant type: single nucleotide variant.
Coding change: c.1384G>A on transcript NM_181486.4 (MANE Select); coding-DNA position 1384, G replaced by A.
Protein change: p.Ala462Thr; replaces alanine 462 with threonine.
Molecular consequence: missense variant.
Genome position (GRCh38, 1-based): chr12:114,355,705, C>T on the plus strand (G>A on the coding strand, the complement: TBX5 is on the minus strand). VCF-style: chr12-114355705-C-T. GRCh37 (hg19) VCF-style: chr12-114793510-C-T.
Other names: c.1384G>A, p.Ala462Thr (NM_000192.3); c.1234G>A, p.Ala412Thr (NM_080717.4); short protein forms A412T, A462T.
Identifiers: ClinVar variation 5030558 (VCV005030558.1).